The following is an entry in ClinVar:

NM_015474.4(SAMHD1):c.1543A>G (p.Ile515Val)

Gene: SAMHD1 (SAM and HD domain containing deoxynucleoside triphosphate triphosphohydrolase 1; minus strand). Cytogenetic location: 20q11.23.
Variant type: single nucleotide variant.
Coding change: c.1543A>G on transcript NM_015474.4 (MANE Select); coding-DNA position 1543, A replaced by G.
Protein change: p.Ile515Val; replaces isoleucine 515 with valine.
Molecular consequence: missense variant. On other transcripts: intron variant (1).
Genome position (GRCh38, 1-based): chr20:36,898,505, T>C on the plus strand (A>G on the coding strand, the complement: SAMHD1 is on the minus strand). VCF-style: chr20-36898505-T-C. GRCh37 (hg19) VCF-style: chr20-35526908-T-C.
Other names: c.1543A>G, p.Ile515Val (NM_001363733.2); c.1504-546A>G (NM_001363729.2); short protein forms I515V.
Identifiers: ClinVar variation 2415011 (VCV002415011.3), dbSNP rs755813438, ClinGen allele CA314281815.

ClinVar aggregate classification (germline): Uncertain significance (1 of 4 stars; one submission).

Conditions:
Aicardi-Goutieres syndrome 5. Identifiers: Orphanet 51, MedGen C2749659, MONDO:0013059, OMIM 612952.

Allele frequency attached by ClinVar (database versions not stated): gnomAD exomes below 0.00001; TOPMed below 0.00001; gnomAD 0.00001.
gnomAD v4.1: 4 of 1,613,938 alleles (0.00025%); highest among the groups gnomAD compares: African/African-American, 0.0013%; no homozygotes.

Submission:

Labcorp Genetics (formerly Invitae), Labcorp
Classification: Uncertain significance for Aicardi-Goutieres syndrome 5. Last evaluated: 2022-07-26. Review status: criteria provided, single submitter. Criteria: Invitae Variant Classification Sherloc (09022015). Collection method: clinical testing. Allele origin: germline.
Comment: This sequence change replaces isoleucine, which is neutral and non-polar, with valine, which is neutral and non-polar, at codon 515 of the SAMHD1 protein (p.Ile515Val). This variant is not present in population databases (gnomAD no frequency). This variant has not been reported in the literature in individuals affected with SAMHD1-related conditions. Algorithms developed to predict the effect of missense changes on protein structure and function are either unavailable or do not agree on the potential impact of this missense change (SIFT: "Deleterious"; PolyPhen-2: "Benign"; Align-GVGD: "Class C0"). In summary, the available evidence is currently insufficient to determine the role of this variant in disease. Therefore, it has been classified as a Variant of Uncertain Significance.